The following is an entry in ClinVar:

NM_000540.3(RYR1):c.9629T>C (p.Leu3210Pro)

Gene: RYR1 (ryanodine receptor 1; plus strand). Cytogenetic location: 19q13.2.
Variant type: single nucleotide variant.
Coding change: c.9629T>C on transcript NM_000540.3 (MANE Select); coding-DNA position 9629, T replaced by C.
Protein change: p.Leu3210Pro; replaces leucine 3210 with proline.
Molecular consequence: missense variant.
Genome position (GRCh38, 1-based): chr19:38,516,161, T>C. VCF-style: chr19-38516161-T-C. GRCh37 (hg19) VCF-style: chr19-39006801-T-C.
Other names: c.9629T>C, p.Leu3210Pro (NM_001042723.2); short protein forms L3210P.
Identifiers: ClinVar variation 1303510 (VCV001303510.3), dbSNP rs2145677322, ClinGen allele CA405690433.

ClinVar aggregate classification (germline): Uncertain significance (1 of 4 stars; one submission).

Submission:

GeneDx
Classification: Uncertain significance. Last evaluated: 2025-12-11. Review status: criteria provided, single submitter. Criteria: GeneDx Variant Classification Process June 2021. Collection method: clinical testing. Allele origin: germline. Affected: yes.
Comment: Not observed at significant frequency in large population cohorts (gnomAD); In silico analysis supports that this missense variant has a deleterious effect on protein structure/function; Has not been previously published as pathogenic or benign to our knowledge; This variant is associated with the following publications: (PMID: 12668474)